The following is an entry in ClinVar:

NM_003247.5(THBS2):c.1757C>A (p.Thr586Asn)

Genes: THBS2-AS1 (THBS2 antisense RNA 1; plus strand), THBS2 (thrombospondin 2; minus strand). Cytogenetic location: 6q27.
Variant type: single nucleotide variant.
Coding change: c.1757C>A on transcript NM_003247.5 (MANE Select); coding-DNA position 1757, C replaced by A.
Protein change: p.Thr586Asn; replaces threonine 586 with asparagine.
Molecular consequence: missense variant. On other transcripts: non-coding transcript variant (2).
Genome position (GRCh38, 1-based): chr6:169,232,912, G>T on the plus strand (C>A on the coding strand, the complement: THBS2 is on the minus strand). VCF-style: chr6-169232912-G-T. GRCh37 (hg19) VCF-style: chr6-169633007-G-T.
Other names: c.1583C>A, p.Thr528Asn (NM_001381939.1); c.1757C>A, p.Thr586Asn (NM_001381940.1); c.1526C>A, p.Thr509Asn (NM_001381942.1); short protein forms T509N, T528N, T586N.
Identifiers: ClinVar variation 4530676 (VCV004530676.1).

ClinVar aggregate classification (germline): Uncertain significance (1 of 4 stars; one submission).

Conditions:
Cardiomyopathy (CMYO). Also called: Cardiomyopathies. Identifiers: Orphanet 167848, MedGen C0878544, MONDO:0004994, HP:0001638. Inheritance: Various modes of inheritance.

Submission:

Petrovsky National Research Centre of Surgery, The Federal Agency for Scientific Organizations
Classification: Uncertain significance for Cardiomyopathy. Last evaluated: 2025-11-18. Review status: criteria provided, single submitter. Criteria: ACMG Guidelines, 2015. Collection method: clinical testing. Allele origin: germline. Affected: yes. Observed: 1 variant allele.
Comment: The variant is present in The Genome Aggregation Database (gnomAD) v4.1.0 with a total MAF of 0.000001259. In accordance with ACMG (2015) criteria, this variant is classified as Variant of Uncert_x000D_